The following is an entry in ClinVar:

ClinVar aggregate classification (germline): Likely benign (1 of 4 stars; one submission).

gnomAD v4.1: 5 of 1,614,068 alleles (0.00031%); highest among the groups gnomAD compares: East Asian, 0.0022%; no homozygotes.

Submission:

CeGaT Center for Human Genetics Tuebingen
Classification: Likely benign. Last evaluated: 2026-03-01. Review status: criteria provided, single submitter. Criteria: CeGaT Center For Human Genetics Tuebingen Variant Classification Criteria Version 2. Collection method: clinical testing. Allele origin: germline. Affected: yes. Observed: 1 variant allele.
Comment: NDST1: BP4, BP7

NM_001543.5(NDST1):c.372G>A (p.Thr124=)

Gene: NDST1 (N-deacetylase and N-sulfotransferase 1; plus strand). Cytogenetic location: 5q33.1.
Variant type: single nucleotide variant.
Coding change: c.372G>A on transcript NM_001543.5 (MANE Select); coding-DNA position 372, G replaced by A.
Protein change: p.Thr124=; no amino-acid change (threonine 124 retained).
Molecular consequence: synonymous variant.
Genome position (GRCh38, 1-based): chr5:150,521,626, G>A. VCF-style: chr5-150521626-G-A. GRCh37 (hg19) VCF-style: chr5-149901188-G-A.
Other names: c.372G>A, p.Thr124= (NM_001301063.2).
Identifiers: ClinVar variation 4821096 (VCV004821096.4).